The following is an entry in ClinVar:

ClinVar aggregate classification (germline): Likely benign (0 of 4 stars; one submission).

Conditions:
EP300-related disorder. Also called: EP300-related disorders; EP300-related condition.

gnomAD v4.1: 3 of 1,614,226 alleles (0.00019%); highest among the groups gnomAD compares: Non-Finnish European, 0.00025%; no homozygotes.

Submission:

PreventionGenetics, part of Exact Sciences
Classification: Likely benign for EP300-related condition. Last evaluated: 2022-06-22. Review status: no assertion criteria provided. Collection method: clinical testing. Allele origin: germline.
Comment: This variant is classified as likely benign based on ACMG/AMP sequence variant interpretation guidelines (Richards et al. 2015 PMID: 25741868, with internal and published modifications).

NM_001429.4(EP300):c.966G>C (p.Gly322=)

Gene: EP300 (E1A binding protein p300; plus strand). Cytogenetic location: 22q13.2.
Variant type: single nucleotide variant.
Coding change: c.966G>C on transcript NM_001429.4 (MANE Select); coding-DNA position 966, G replaced by C.
Protein change: p.Gly322=; no amino-acid change (glycine 322 retained).
Molecular consequence: synonymous variant.
Genome position (GRCh38, 1-based): chr22:41,127,546, G>C. VCF-style: chr22-41127546-G-C. GRCh37 (hg19) VCF-style: chr22-41523550-G-C.
Other names: c.966G>C, p.Gly322= (NM_001362843.2).
Identifiers: ClinVar variation 3354087 (VCV003354087.1).
Genomic context (GRCh38, chr22:41,127,546, plus strand): 5'-GGGTCAACAGCCAGCCCCGCAGGTCCAGCAGCCAGGCCTGGTGACTCCAGTTGCCCAAGG[G>C]ATGGGTTCTGGAGCACATACAGCTGATCCAGAGAAGCGCAAGCTCATCCAGCAGCAGCTT-3'
Protein context (NP_001420.2, residues 312-332): QPGLVTPVAQ[Gly322=]MGSGAHTADP